The following is an entry in ClinVar:

ClinVar aggregate classification (germline): Likely benign (0 of 4 stars; one submission).

Conditions:
CHD7-related disorder. Also called: CHD7-related condition.

Submission:

PreventionGenetics, part of Exact Sciences
Classification: Likely benign for CHD7-related condition. Last evaluated: 2022-02-15. Review status: no assertion criteria provided. Collection method: clinical testing. Allele origin: germline.
Comment: This variant is classified as likely benign based on ACMG/AMP sequence variant interpretation guidelines (Richards et al. 2015 PMID: 25741868, with internal and published modifications).

NM_017780.4(CHD7):c.165T>C (p.His55=)

Gene: CHD7 (chromodomain helicase DNA binding protein 7; plus strand). Cytogenetic location: 8q12.2.
Variant type: single nucleotide variant.
Coding change: c.165T>C on transcript NM_017780.4 (MANE Select); coding-DNA position 165, T replaced by C.
Protein change: p.His55=; no amino-acid change (histidine 55 retained).
Molecular consequence: synonymous variant.
Genome position (GRCh38, 1-based): chr8:60,741,597, T>C. VCF-style: chr8-60741597-T-C. GRCh37 (hg19) VCF-style: chr8-61654156-T-C.
Other names: c.165T>C, p.His55= (NM_001316690.1).
Identifiers: ClinVar variation 3059414 (VCV003059414.2), dbSNP rs2487259157, ClinGen allele CA461102992.